The following is an entry in ClinVar:

ClinVar aggregate classification (germline): Uncertain significance (1 of 4 stars; one submission).

Conditions:
Severe combined immunodeficiency due to DNA-PKcs deficiency. Also called: IMMUNODEFICIENCY 26 WITH NEUROLOGIC ABNORMALITIES; Immunodeficiency 26 with or without neurologic abnormalities. Identifiers: Orphanet 317425, MedGen C4014833, MONDO:0014423, OMIM 615966.

Allele frequency attached by ClinVar (database versions not stated): gnomAD exomes below 0.00001; gnomAD 0.00001; TOPMed 0.00001; ExAC 0.00003.
gnomAD v4.1: 7 of 1,588,240 alleles (0.00044%); highest among the groups gnomAD compares: East Asian, 0.0046%; no homozygotes.

Submission:

Labcorp Genetics (formerly Invitae), Labcorp
Classification: Uncertain significance for Severe combined immunodeficiency due to DNA-PKcs deficiency. Last evaluated: 2022-10-07. Review status: criteria provided, single submitter. Criteria: Invitae Variant Classification Sherloc (09022015). Collection method: clinical testing. Allele origin: germline.
Comment: This sequence change replaces valine, which is neutral and non-polar, with isoleucine, which is neutral and non-polar, at codon 1451 of the PRKDC protein (p.Val1451Ile). The frequency data for this variant in the population databases is considered unreliable, as metrics indicate poor data quality at this position in the gnomAD database. This variant has not been reported in the literature in individuals affected with PRKDC-related conditions. Experimental studies and prediction algorithms are not available or were not evaluated, and the functional significance of this variant is currently unknown. In summary, the available evidence is currently insufficient to determine the role of this variant in disease. Therefore, it has been classified as a Variant of Uncertain Significance.

NM_006904.7(PRKDC):c.4351G>A (p.Val1451Ile)

Gene: PRKDC (protein kinase, DNA-activated, catalytic subunit; minus strand). Cytogenetic location: 8q11.21.
Variant type: single nucleotide variant.
Coding change: c.4351G>A on transcript NM_006904.7 (MANE Select); coding-DNA position 4351, G replaced by A.
Protein change: p.Val1451Ile; replaces valine 1451 with isoleucine.
Molecular consequence: missense variant.
Genome position (GRCh38, 1-based): chr8:47,888,580, C>T on the plus strand (G>A on the coding strand, the complement: PRKDC is on the minus strand). VCF-style: chr8-47888580-C-T. GRCh37 (hg19) VCF-style: chr8-48801141-C-T.
Other names: c.4351G>A, p.Val1451Ile (NM_001081640.2); short protein forms V1451I.
Identifiers: ClinVar variation 1904044 (VCV001904044.2), dbSNP rs778383404, ClinGen allele CA4740926.